The following is an entry in ClinVar:

NM_000059.4(BRCA2):c.4218A>C (p.Lys1406Asn)

Gene: BRCA2 (BRCA2 DNA repair associated; plus strand). Cytogenetic location: 13q13.1.
Variant type: single nucleotide variant.
Coding change: c.4218A>C on transcript NM_000059.4 (MANE Select); coding-DNA position 4218, A replaced by C.
Protein change: p.Lys1406Asn; replaces lysine 1406 with asparagine.
Molecular consequence: missense variant.
Genome position (GRCh38, 1-based): chr13:32,338,573, A>C. VCF-style: chr13-32338573-A-C. GRCh37 (hg19) VCF-style: chr13-32912710-A-C.
Other names: short protein forms K1406N.
Identifiers: ClinVar variation 495459 (VCV000495459.3), dbSNP rs1555283634, ClinGen allele CA387780291.

ClinVar aggregate classification (germline): Conflicting classifications of pathogenicity. Review status: criteria provided, conflicting classifications (1 of 4 stars). 2 submissions from 2 submitters: Uncertain significance (1); Likely benign (1). Last evaluated 2023-03-23.

Conditions:
Hereditary cancer-predisposing syndrome. Also called: Hereditary neoplastic syndrome; Tumor predisposition; Hereditary Cancer Syndrome; Neoplastic Syndromes, Hereditary. Identifiers: Orphanet 140162, MedGen C0027672, MeSH D009386, MONDO:0015356.

Submissions (2):

University of Washington Department of Laboratory Medicine, University of Washington
Classification: Likely benign for Hereditary cancer-predisposing syndrome. Last evaluated: 2023-03-23. Review status: criteria provided, single submitter. Criteria: Dines et al. (Genet Med. 2020). Collection method: curation. Allele origin: germline.
Comment: Missense variant in a coldspot region where missense variants are very unlikely to be pathogenic (PMID:31911673).

BRCA2 exon 11 coldspot. Reclassification based on statistical prior probability.

Women's Health and Genetics/Laboratory Corporation of America, LabCorp
Classification: Uncertain significance. Last evaluated: 2016-11-07. Review status: criteria provided, single submitter. Criteria: LabCorp Variant Classification Summary - May 2015. Collection method: clinical testing. Allele origin: germline.
Comment: Variant summary: The BRCA2 c.4218A>C (p.Lys1406Asn) variant involves the alteration of a non-conserved nucleotide. 2/3 in silico tools predict a benign outcome for this variant (SNPs&GO not captured due to low reliability index). This variant is absent in 119954 control chromosomes. The variant of interest has not, to our knowledge, been reported in affected individuals via publications and/or reputable databases/clinical diagnostic laboratories; nor evaluated for functional impact by in vivo/vitro studies. Because of the absence of clinical information and the lack of functional studies, the variant is classified as a variant of uncertain significance (VUS) until additional information becomes available.